The following is an entry in ClinVar:

ClinVar aggregate classification (germline): Conflicting classifications of pathogenicity. Review status: criteria provided, conflicting classifications (1 of 4 stars). 5 submissions from 5 submitters: Uncertain significance (1); Benign (2); Likely benign (2). Last evaluated 2026-01-26.

Conditions:
Inborn genetic diseases. Identifiers: MedGen C0950123, MeSH D030342.

Allele frequency attached by ClinVar (database versions not stated): gnomAD exomes 0.00020 and 0.00056; ExAC 0.00070; ESP Exome Variant Server 0.00223; gnomAD 0.00223 and 0.00229; TOPMed 0.00225; 1000 Genomes Project 30x 0.00328; 1000 Genomes Project 0.00339.
gnomAD v4.1: 652 of 1,613,614 alleles (0.04%); highest among the groups gnomAD compares: African/African-American, 0.77%; 4 homozygotes.

Submissions (5):

Labcorp Genetics (formerly Invitae), Labcorp
Classification: Benign. Last evaluated: 2026-01-26. Review status: criteria provided, single submitter. Criteria: Invitae Variant Classification Sherloc (09022015). Collection method: clinical testing. Allele origin: germline.

Blueprint Genetics
Classification: Likely benign. Last evaluated: 2024-11-13. Review status: criteria provided, single submitter. Criteria: ACMG Guidelines, 2015. Collection method: clinical testing. Allele origin: germline.

Ambry Genetics
Classification: Uncertain significance for Inborn genetic diseases. Last evaluated: 2023-02-09. Review status: criteria provided, single submitter. Criteria: Ambry Variant Classification Scheme 2023. Collection method: clinical testing. Allele origin: germline.

GeneDx
Classification: Likely benign. Last evaluated: 2021-04-30. Review status: criteria provided, single submitter. Criteria: GeneDx Variant Classification Process June 2021. Collection method: clinical testing. Allele origin: germline. Affected: yes.

Laboratory for Molecular Medicine, Mass General Brigham Personalized Medicine
Classification: Benign. Last evaluated: 2012-04-30. Review status: criteria provided, single submitter. Criteria: LMM Criteria. Collection method: clinical testing. Allele origin: germline. Observed: 4 variant alleles.
Comment: Met319Ile in Exon 10 of TMPRSS3: This variant is not expected to have clinical s ignificance because it has been identified in 0.6% (23/3738) of African American chromosomes from a broad population by the NHLBI Exome Sequencing Project (dbSNP rs115223836).

NM_001256317.3(TMPRSS3):c.957G>C (p.Met319Ile)

Gene: TMPRSS3 (transmembrane serine protease 3; minus strand). Cytogenetic location: 21q22.3.
Variant type: single nucleotide variant.
Coding change: c.957G>C on transcript NM_001256317.3 (MANE Select); coding-DNA position 957, G replaced by C.
Protein change: p.Met319Ile; replaces methionine 319 with isoleucine.
Molecular consequence: missense variant.
Genome position (GRCh38, 1-based): chr21:42,380,208, C>G on the plus strand (G>C on the coding strand, the complement: TMPRSS3 is on the minus strand). VCF-style: chr21-42380208-C-G. GRCh37 (hg19) VCF-style: chr21-43800317-C-G.
Other names: c.957G>C, p.Met319Ile (NM_024022.4); c.576G>C, p.Met192Ile (NM_032404.3); short protein forms M319I, M192I.
Identifiers: ClinVar variation 178548 (VCV000178548.17), dbSNP rs115223836, ClinGen allele CA182538.